The following is an entry in ClinVar:

NM_002691.4(POLD1):c.3148C>A (p.Arg1050Ser)

Gene: POLD1 (DNA polymerase delta 1, catalytic subunit; plus strand). Cytogenetic location: 19q13.33.
Variant type: single nucleotide variant.
Coding change: c.3148C>A on transcript NM_002691.4 (MANE Select); coding-DNA position 3148, C replaced by A.
Protein change: p.Arg1050Ser; replaces arginine 1050 with serine.
Molecular consequence: missense variant. On other transcripts: non-coding transcript variant (1).
Genome position (GRCh38, 1-based): chr19:50,417,199, C>A. VCF-style: chr19-50417199-C-A. GRCh37 (hg19) VCF-style: chr19-50920456-C-A.
Other names: c.3148C>A, p.Arg1050Ser (NM_001256849.1, NM_001438212.1, NM_001438213.1); c.3226C>A, p.Arg1076Ser (NM_001308632.1); c.3076C>A, p.Arg1026Ser (NM_001438210.1, NM_001438211.1); short protein forms R1050S, R1076S, R1026S.
Identifiers: ClinVar variation 5027014 (VCV005027014.1).

ClinVar aggregate classification (germline): Uncertain significance (1 of 4 stars; one submission).

Conditions:
Hereditary cancer-predisposing syndrome. Also called: Neoplastic Syndromes, Hereditary; Tumor predisposition; Hereditary neoplastic syndrome; Hereditary Cancer Syndrome. Identifiers: Orphanet 140162, MedGen C0027672, MeSH D009386, MONDO:0015356.

gnomAD v4.1: 1 of 1,606,422 alleles (0.000062%); highest among the groups gnomAD compares: Non-Finnish European, 0.000085%; no homozygotes.

Submission:

Ambry Genetics
Classification: Uncertain significance for Hereditary cancer-predisposing syndrome. Last evaluated: 2026-09-01. Review status: criteria provided, single submitter. Criteria: Ambry Variant Classification Scheme 2023. Collection method: clinical testing. Allele origin: germline.
Comment: The p.R1050S variant (also known as c.3148C>A), located in coding exon 25 of the POLD1 gene, results from a C to A substitution at nucleotide position 3148. The arginine at codon 1050 is replaced by serine, an amino acid with dissimilar properties. This amino acid position is conserved. In addition, this alteration is predicted to be tolerated by in silico analysis. Based on the available evidence, the clinical significance of this variant remains unclear.